The following is an entry in ClinVar:

NM_001360016.2(G6PD):c.473G>A (p.Cys158Tyr)

Gene: G6PD (glucose-6-phosphate dehydrogenase; minus strand). Cytogenetic location: Xq28.
Variant type: single nucleotide variant.
Coding change: c.473G>A on transcript NM_001360016.2 (MANE Select); coding-DNA position 473, G replaced by A.
Protein change: p.Cys158Tyr; replaces cysteine 158 with tyrosine.
Molecular consequence: missense variant.
Genome position (GRCh38, 1-based): chrX:154,535,180, C>T on the plus strand (G>A on the coding strand, the complement: G6PD is on the minus strand). VCF-style: chrX-154535180-C-T. GRCh37 (hg19) VCF-style: chrX-153763395-C-T.
Other names: G6PD Shenzhen; c.563G>A, p.Cys188Tyr (NM_000402.4); c.473G>A, p.Cys158Tyr (NM_001042351.3); short protein forms C158Y, C188Y.
Identifiers: ClinVar variation 1722728 (VCV001722728.2), dbSNP rs782487723, ClinGen allele CA10566242.

ClinVar aggregate classification (germline): Likely pathogenic (1 of 4 stars; one submission).

Conditions:
Anemia, nonspherocytic hemolytic, due to G6PD deficiency (CNSHA1). Also called: Hemolytic anemia due to G6PD deficiency; Class I glucose-6-phosphate dehydrogenase deficiency; Favism, susceptibility to; ANEMIA, CONGENITAL, NONSPHEROCYTIC HEMOLYTIC, 1. Identifiers: Orphanet 466026, MedGen C2720289, MONDO:0010480, OMIM 300908.

Submission:

Dunham Lab, University of Washington
Classification: Likely pathogenic for Anemia, nonspherocytic hemolytic, due to G6PD deficiency. Last evaluated: 2022-08-12. Review status: criteria provided, single submitter. Criteria: Bayesian ACMG Guidelines, 2018. Collection method: curation. Allele origin: maternal. Affected: yes.
Comment: Decreased activity in red blood cells of hemizygote (6%) (PS3). Not observed in gnomAD (PM2). Post_P 0.975 (odds of pathogenicity 350.3, Prior_P 0.1).

Literature cited by the submitters: PubMed 20582980.